The following is an entry in ClinVar:

NM_000384.3(APOB):c.3847G>T (p.Gly1283Cys)

Gene: APOB (apolipoprotein B; minus strand). Cytogenetic location: 2p24.1.
Variant type: single nucleotide variant.
Coding change: c.3847G>T on transcript NM_000384.3 (MANE Select); coding-DNA position 3847, G replaced by T.
Protein change: p.Gly1283Cys; replaces glycine 1283 with cysteine.
Molecular consequence: missense variant.
Genome position (GRCh38, 1-based): chr2:21,013,529, C>A on the plus strand (G>T on the coding strand, the complement: APOB is on the minus strand). VCF-style: chr2-21013529-C-A. GRCh37 (hg19) VCF-style: chr2-21236401-C-A.
Other names: c.3847G>T (NM_000384.2); short protein forms G1283C.
Identifiers: ClinVar variation 1366581 (VCV001366581.10), dbSNP rs2103361101, ClinGen allele CA346008148.
Genomic context (GRCh38, chr2:21,013,529, plus strand): 5'-CAAAAGGCAAAGGAATCTCAATTTTCAAACTGTTCTTGTTCAAGGTATATTTGACCCGGC[C>A]ATCGCTGAAATGAACAACAAAGATAACATCCCCACAGTCAGACATCAGTCATTCAAAGTT-3'
Protein context (NP_000375.3, residues 1273-1293): IPENLFLKSD[Gly1283Cys]RVKYTLNKNS

ClinVar aggregate classification (germline): Uncertain significance. Review status: criteria provided, multiple submitters, no conflicts (2 of 4 stars). 3 submissions from 3 submitters: Uncertain significance (3). Last evaluated 2023-05-08.

Conditions:
Familial hypobetalipoproteinemia 1. Also called: APOB-Related Familial Hypobetalipoproteinemia; Hypobetalipoproteinemia, normotriglyceridemic; Acanthocytosis with hypobetalipoproteinemia. Identifiers: MedGen C4551990, MONDO:0014252, OMIM 615558.
Hypercholesterolemia, autosomal dominant, type B (FHCL2). Also called: Familial Hypercholesterolemia Type B; APOLIPOPROTEIN B-100, FAMILIAL DEFECTIVE; APOLIPOPROTEIN B-100, FAMILIAL LIGAND-DEFECTIVE; HYPERCHOLESTEROLEMIA, FAMILIAL, DUE TO LIGAND-DEFECTIVE APOLIPOPROTEIN B; APOB-Related Familial Hypercholesterolemia, Autosomal Dominant; Familial hypercholesterolemia 2. Identifiers: MedGen C1704417, MONDO:0007751, OMIM 144010.

Allele frequency attached by ClinVar (database versions not stated): gnomAD exomes below 0.00001.
gnomAD v4.1: 2 of 1,614,146 alleles (0.00012%); highest among the groups gnomAD compares: Non-Finnish European, 0.00017%; no homozygotes.

Submissions (3):

GeneDx
Classification: Uncertain significance. Last evaluated: 2023-05-08. Review status: criteria provided, single submitter. Criteria: GeneDx Variant Classification Process June 2021. Collection method: clinical testing. Allele origin: germline. Affected: yes.
Comment: Not observed at significant frequency in large population cohorts (gnomAD); In silico analysis supports that this missense variant has a deleterious effect on protein structure/function; Has not been previously published as pathogenic or benign to our knowledge

Fulgent Genetics
Classification: Uncertain significance for Hypercholesterolemia, autosomal dominant, type B; Familial hypobetalipoproteinemia 1. Last evaluated: 2021-09-13. Review status: criteria provided, single submitter. Criteria: ACMG Guidelines, 2015. Collection method: clinical testing. Allele origin: unknown.

Labcorp Genetics (formerly Invitae), Labcorp
Classification: Uncertain significance for Familial hypobetalipoproteinemia 1; Hypercholesterolemia, autosomal dominant, type B. Last evaluated: 2021-04-21. Review status: criteria provided, single submitter. Criteria: Invitae Variant Classification Sherloc (09022015). Collection method: clinical testing. Allele origin: germline.
Comment: In summary, the available evidence is currently insufficient to determine the role of this variant in disease. Therefore, it has been classified as a Variant of Uncertain Significance. Algorithms developed to predict the effect of missense changes on protein structure and function are either unavailable or do not agree on the potential impact of this missense change (SIFT: "Deleterious"; PolyPhen-2: "Probably Damaging"; Align-GVGD: "Class C0"). This variant has not been reported in the literature in individuals with APOB-related conditions. This variant is not present in population databases (ExAC no frequency). This sequence change replaces glycine with cysteine at codon 1283 of the APOB protein (p.Gly1283Cys). The glycine residue is highly conserved and there is a large physicochemical difference between glycine and cysteine.